The following is an entry in ClinVar:

ClinVar aggregate classification (germline): Benign/Likely benign. Review status: criteria provided, multiple submitters, no conflicts (2 of 4 stars). 4 submissions from 4 submitters: Benign (2); Likely benign (1). 1 of the submissions does not count toward it. Last evaluated 2025-12-08.

Conditions:
VAPB-related disorder. Also called: VAPB-related condition.
Amyotrophic lateral sclerosis type 8 (ALS8). Identifiers: Orphanet 803, MedGen C1837728, MONDO:0012077, OMIM 608627.
Adult-onset proximal spinal muscular atrophy, autosomal dominant. Also called: FINKEL LATE-ADULT TYPE SMA; Spinal muscular atrophy, late-onset, finkel type. Identifiers: Orphanet 209335, MedGen C1854058, MONDO:0008453, OMIM 182980.

Allele frequency attached by ClinVar (database versions not stated): 1000 Genomes Project 30x 0.00016; 1000 Genomes Project 0.00020; gnomAD 0.00022; TOPMed 0.00063; ExAC 0.00086; gnomAD exomes 0.00097.
gnomAD v4.1: 315 of 1,614,082 alleles (0.02%); highest among the groups gnomAD compares: Admixed American, 0.45%; 1 homozygote.

Submissions (4):

Labcorp Genetics (formerly Invitae), Labcorp
Classification: Benign for Adult-onset proximal spinal muscular atrophy, autosomal dominant; Amyotrophic lateral sclerosis type 8. Last evaluated: 2025-12-08. Review status: criteria provided, single submitter. Criteria: Invitae Variant Classification Sherloc (09022015). Collection method: clinical testing. Allele origin: germline.

Blueprint Genetics
Classification: Likely benign. Last evaluated: 2024-08-06. Review status: criteria provided, single submitter. Criteria: ACMG Guidelines, 2015. Collection method: clinical testing. Allele origin: germline.

CeGaT Center for Human Genetics Tuebingen
Classification: Benign. Last evaluated: 2022-07-01. Review status: criteria provided, single submitter. Criteria: CeGaT Center For Human Genetics Tuebingen Variant Classification Criteria Version 2. Collection method: clinical testing. Allele origin: germline. Affected: yes. Observed: 1 variant allele.
Comment: VAPB: BS1, BS2

PreventionGenetics, part of Exact Sciences
Classification: Benign for VAPB-related condition. Last evaluated: 2024-02-21. Review status: no assertion criteria provided. Collection method: clinical testing. Allele origin: germline. Not counted in ClinVar's aggregate classification.
Comment: This variant is classified as benign based on ACMG/AMP sequence variant interpretation guidelines (Richards et al. 2015 PMID: 25741868, with internal and published modifications).

NM_004738.5(VAPB):c.528G>A (p.Leu176=)

Gene: VAPB (VAMP associated protein B and C; plus strand). Cytogenetic location: 20q13.32.
Variant type: single nucleotide variant.
Coding change: c.528G>A on transcript NM_004738.5 (MANE Select); coding-DNA position 528, G replaced by A.
Protein change: p.Leu176=; no amino-acid change (leucine 176 retained).
Molecular consequence: synonymous variant. On other transcripts: non-coding transcript variant (1), intron variant (1).
Genome position (GRCh38, 1-based): chr20:58,441,038, G>A. VCF-style: chr20-58441038-G-A. GRCh37 (hg19) VCF-style: chr20-57016094-G-A.
Other names: c.212-3039G>A (NM_001195677.2).
Identifiers: ClinVar variation 705096 (VCV000705096.38), dbSNP rs199921117, ClinGen allele CA9924277.